The following is an entry in ClinVar:

NM_001365951.3(KIF1B):c.2115+6774T>G

Gene: KIF1B (kinesin family member 1B; plus strand). Cytogenetic location: 1p36.22.
Variant type: single nucleotide variant.
Coding change: c.2115+6774T>G on transcript NM_001365951.3 (MANE Select); 6774 bases into the intron after coding-DNA position 2115, T replaced by G.
Molecular consequence: intron variant. On other transcripts: missense variant (2).
Genome position (GRCh38, 1-based): chr1:10,304,020, T>G. VCF-style: chr1-10304020-T-G. GRCh37 (hg19) VCF-style: chr1-10364078-T-G.
Other names: c.2835T>G, p.Asn945Lys (NM_001365953.1, NM_183416.4); c.1977+6774T>G (NM_015074.3); c.2115+6774T>G (NM_001365952.1); short protein forms N945K.
Identifiers: ClinVar variation 3355869 (VCV003355869.2).

ClinVar aggregate classification (germline): Uncertain significance. Review status: criteria provided, single submitter (1 of 4 stars). 2 submissions from 2 submitters: Uncertain significance (1). 1 of the submissions does not count toward it. Last evaluated 2023-12-25.

Conditions:
Neuroblastoma, susceptibility to, 1. Identifiers: MedGen C2749485, MONDO:0009741, OMIM 256700.
KIF1B-related disorder. Also called: KIF1B-related condition.

gnomAD v4.1: 3 of 1,611,710 alleles (0.00019%); highest among the groups gnomAD compares: Admixed American, 0.0017%; no homozygotes.

Submissions (2):

St. Jude Molecular Pathology, St. Jude Children's Research Hospital
Classification: Uncertain significance for Neuroblastoma, susceptibility to, 1. Last evaluated: 2023-12-25. Review status: criteria provided, single submitter. Criteria: St. Jude Assertion Criteria 2020. Collection method: clinical testing. Allele origin: germline.
Comment: The KIF1B c.2835T>G (p.Asn945Lys) missense change has a maximum subpopulation frequency of 0.004% in gnomAD v2.1.1. The in silico tool REVEL predicts a benign effect on protein function, but to our knowledge this prediction has not been confirmed by functional studies. To our knowledge, this variant has not been reported in individuals with pheochromocytoma or neuroblastoma. In summary, the evidence currently available is insufficient to determine the clinical significance of this variant. It has therefore been classified as of uncertain significance.

PreventionGenetics, part of Exact Sciences
Classification: Uncertain significance for KIF1B-related condition. Last evaluated: 2024-07-18. Review status: no assertion criteria provided. Collection method: clinical testing. Allele origin: germline. Not counted in ClinVar's aggregate classification.
Comment: The KIF1B c.2835T>G variant is predicted to result in the amino acid substitution p.Asn945Lys. To our knowledge, this variant has not been reported in the literature. This variant is reported in 0.0040% of alleles in individuals of African descent in gnomAD. This variant is absent in Clinvar. At this time, the clinical significance of this variant is uncertain due to the absence of conclusive functional and genetic evidence.